The following is an entry in ClinVar:

ClinVar aggregate classification (germline): Likely pathogenic (1 of 4 stars; one submission).

Conditions:
SPTA1-related disorder. Also called: SPTA1-related disorders; SPTA1-related condition.

Submission:

PreventionGenetics, part of Exact Sciences
Classification: Likely pathogenic for SPTA1-related condition. Last evaluated: 2025-07-16. Review status: criteria provided, single submitter. Criteria: ACMG Guidelines, 2015. Collection method: clinical testing. Allele origin: germline.
Comment: The SPTA1 c.6990-2A>G variant is predicted to disrupt the AG splice acceptor site and interfere with normal splicing. To our knowledge, this variant has not been reported in the literature or in a large population database (gnomAD), indicating this variant is rare. Variants that disrupt the consensus splice acceptor site in SPTA1 are expected to be pathogenic. This variant is interpreted as likely pathogenic.

NM_003126.4(SPTA1):c.6990-2A>G

Gene: SPTA1 (spectrin alpha, erythrocytic 1; minus strand). Cytogenetic location: 1q23.1.
Variant type: single nucleotide variant.
Coding change: c.6990-2A>G on transcript NM_003126.4 (MANE Select); the canonical splice acceptor site of the intron before coding-DNA position 6990, A replaced by G.
Molecular consequence: splice acceptor variant.
Genome position (GRCh38, 1-based): chr1:158,612,963, T>C on the plus strand (A>G on the coding strand, the complement: SPTA1 is on the minus strand). VCF-style: chr1-158612963-T-C. GRCh37 (hg19) VCF-style: chr1-158582753-T-C.
Identifiers: ClinVar variation 4996746 (VCV004996746.1).